The following is an entry in ClinVar:

ClinVar aggregate classification (germline): Uncertain significance (1 of 4 stars; one submission).

Submission:

GeneDx
Classification: Uncertain significance. Last evaluated: 2025-10-15. Review status: criteria provided, single submitter. Criteria: GeneDx Variant Classification Process June 2021. Collection method: clinical testing. Allele origin: germline.
Comment: Not observed at significant frequency in large population cohorts (gnomAD); In silico analysis supports that this missense variant has a deleterious effect on protein structure/function; Has not been previously published as pathogenic or benign to our knowledge

NM_000388.4(CASR):c.2320G>C (p.Gly774Arg)

Gene: CASR (calcium sensing receptor; plus strand). Cytogenetic location: 3q21.1.
Variant type: single nucleotide variant.
Coding change: c.2320G>C on transcript NM_000388.4 (MANE Select); coding-DNA position 2320, G replaced by C.
Protein change: p.Gly774Arg; replaces glycine 774 with arginine.
Molecular consequence: missense variant.
Genome position (GRCh38, 1-based): chr3:122,284,274, G>C. VCF-style: chr3-122284274-G-C. GRCh37 (hg19) VCF-style: chr3-122003121-G-C.
Other names: c.2350G>C, p.Gly784Arg (NM_001178065.2); short protein forms G774R, G784R.
Identifiers: ClinVar variation 3360942 (VCV003360942.2).